The following is an entry in ClinVar:

NM_004247.4(EFTUD2):c.178C>A (p.His60Asn)

Gene: EFTUD2 (elongation factor Tu GTP binding domain containing 2; minus strand). Cytogenetic location: 17q21.31.
Variant type: single nucleotide variant.
Coding change: c.178C>A on transcript NM_004247.4 (MANE Select); coding-DNA position 178, C replaced by A.
Protein change: p.His60Asn; replaces histidine 60 with asparagine.
Molecular consequence: missense variant.
Genome position (GRCh38, 1-based): chr17:44,886,678, G>T on the plus strand (C>A on the coding strand, the complement: EFTUD2 is on the minus strand). VCF-style: chr17-44886678-G-T. GRCh37 (hg19) VCF-style: chr17-42964046-G-T.
Other names: c.73C>A, p.His25Asn (NM_001142605.2); c.178C>A, p.His60Asn (NM_001258353.2, NM_001258354.2); short protein forms H25N, H60N.
Identifiers: ClinVar variation 3364470 (VCV003364470.2).
Genomic context (GRCh38, chr17:44,886,678, plus strand): 5'-TGGTCTCCACCTCAGGACCATACACCTCCTCGGCTGTTGGGTAGTACTTCTTGTCCTCAT[G>T]CAGCACCACCTCCATCCCAGGGTGGTCATCGTCATGATCTCCTACGTCATCGTCGTCGTC-3'
Protein context (NP_004238.3, residues 50-70): DDHPGMEVVL[His60Asn]EDKKYYPTAE

ClinVar aggregate classification (germline): Uncertain significance (1 of 4 stars; one submission).

Submission:

GeneDx
Classification: Uncertain significance. Last evaluated: 2024-12-12. Review status: criteria provided, single submitter. Criteria: GeneDx Variant Classification Process June 2021. Collection method: clinical testing. Allele origin: germline.
Comment: Not observed at significant frequency in large population cohorts (gnomAD); In silico analysis supports that this missense variant has a deleterious effect on protein structure/function; Has not been previously published as pathogenic or benign to our knowledge